The following is an entry in ClinVar:

ClinVar aggregate classification (germline): Likely pathogenic. Review status: criteria provided, multiple submitters, no conflicts (2 of 4 stars). 2 submissions from 2 submitters: Likely pathogenic (2). Last evaluated 2025-08-26.

Conditions:
Alport syndrome. Also called: Hemorrhagic familial nephritis; Hemorrhagic hereditary nephritis; Congenital hereditary hematuria. Identifiers: Orphanet 63, MedGen C1567741, MONDO:0018965.
Autosomal dominant Alport syndrome (ATS3A). Also called: Alport syndrome dominant type; Renal failure and sensorineural hearing loss; ALPORT SYNDROME 3A, AUTOSOMAL DOMINANT. Identifiers: Orphanet 63, Orphanet 88918, MedGen C5882663, MONDO:0007086, OMIM 104200.
Hematuria, benign familial, 2 (BFH2). Identifiers: MedGen C5830421, MONDO:0958186, OMIM 620320.
Alport syndrome 3b, autosomal recessive. Identifiers: MedGen C5882699, MONDO:0957811, OMIM 620536.

Submissions (2):

Natera, Inc.
Classification: Likely pathogenic for Alport syndrome. Last evaluated: 2025-08-26. Review status: criteria provided, single submitter. Criteria: Natera Variant Classification Schema (03/2026). Collection method: clinical testing. Allele origin: germline.
Comment: The c.163G>A variant in COL4A3 is a missense variant predicted to cause substitution of glycine to arginine at amino acid 55. This variant is rare in the general population with a frequency below the threshold expected for the associated phenotype(s). This variant is located in a functionally critical region of the protein. Computational prediction algorithms indicate this variant is likely to affect gene or protein function. Given the available evidence, this variant is classified as Likely Pathogenic.

Fulgent Genetics
Classification: Likely pathogenic for Autosomal dominant Alport syndrome; Hematuria, benign familial, 2; Alport syndrome 3b, autosomal recessive. Last evaluated: 2024-06-13. Review status: criteria provided, single submitter. Criteria: ACMG Guidelines, 2015. Collection method: clinical testing. Allele origin: germline.

NM_000091.5(COL4A3):c.163G>A (p.Gly55Arg)

Genes: MFF-DT (MFF divergent transcript; minus strand), COL4A3 (collagen type IV alpha 3 chain; plus strand). Cytogenetic location: 2q36.3.
Variant type: single nucleotide variant.
Coding change: c.163G>A on transcript NM_000091.5 (MANE Select); coding-DNA position 163, G replaced by A.
Protein change: p.Gly55Arg; replaces glycine 55 with arginine.
Molecular consequence: missense variant.
Genome position (GRCh38, 1-based): chr2:227,240,161, G>A. VCF-style: chr2-227240161-G-A. GRCh37 (hg19) VCF-style: chr2-228104877-G-A.
Other names: short protein forms G55R.
Identifiers: ClinVar variation 3585961 (VCV003585961.2).